The following is an entry in ClinVar:

NM_001171.6(ABCC6):c.4070G>C (p.Arg1357Pro)

Gene: ABCC6 (ATP binding cassette subfamily C member 6; minus strand). Cytogenetic location: 16p13.11.
Variant type: single nucleotide variant.
Coding change: c.4070G>C on transcript NM_001171.6 (MANE Select); coding-DNA position 4070, G replaced by C.
Protein change: p.Arg1357Pro; replaces arginine 1357 with proline.
Molecular consequence: missense variant. On other transcripts: non-coding transcript variant (1).
Genome position (GRCh38, 1-based): chr16:16,154,766, C>G on the plus strand (G>C on the coding strand, the complement: ABCC6 is on the minus strand). VCF-style: chr16-16154766-C-G. GRCh37 (hg19) VCF-style: chr16-16248623-C-G.
Other names: c.3728G>C, p.Arg1243Pro (NM_001351800.1); short protein forms R1357P, R1243P.
Identifiers: ClinVar variation 2040203 (VCV002040203.4), dbSNP rs201275608, ClinGen allele CA394884770.

ClinVar aggregate classification (germline): Likely pathogenic (1 of 4 stars; one submission).

gnomAD v4.1: 1 of 1,612,492 alleles (0.000062%); highest among the groups gnomAD compares: African/African-American, 0.0013%; no homozygotes.

Submission:

Labcorp Genetics (formerly Invitae), Labcorp
Classification: Likely pathogenic. Last evaluated: 2022-02-24. Review status: criteria provided, single submitter. Criteria: Invitae Variant Classification Sherloc (09022015). Collection method: clinical testing. Allele origin: germline.
Comment: This variant is not present in population databases (gnomAD no frequency). This sequence change replaces arginine, which is basic and polar, with proline, which is neutral and non-polar, at codon 1357 of the ABCC6 protein (p.Arg1357Pro). This variant has not been reported in the literature in individuals affected with ABCC6-related conditions. Advanced modeling of protein sequence and biophysical properties (such as structural, functional, and spatial information, amino acid conservation, physicochemical variation, residue mobility, and thermodynamic stability) performed at Invitae indicates that this missense variant is expected to disrupt ABCC6 protein function. This variant disrupts the p.Arg1357 amino acid residue in ABCC6. Other variant(s) that disrupt this residue have been determined to be pathogenic (PMID: 15645653, 16086317, 28912966). This suggests that this residue is clinically significant, and that variants that disrupt this residue are likely to be disease-causing. In summary, the currently available evidence indicates that the variant is pathogenic, but additional data are needed to prove that conclusively. Therefore, this variant has been classified as Likely Pathogenic.

Literature cited by the submitters: PubMed 15645653; PubMed 16086317; PubMed 28912966.